The following is an entry in ClinVar:

NM_004360.5(CDH1):c.943_944del (p.Asn315fs)

Gene: CDH1 (cadherin 1; plus strand). Cytogenetic location: 16q22.1.
Variant type: Deletion.
Coding change: c.943_944del on transcript NM_004360.5 (MANE Select); coding-DNA positions 943 to 944, 2 bases deleted (AA; older notation c.943_944delAA).
Protein change: p.Asn315fs; shifts the reading frame from asparagine 315.
Molecular consequence: frameshift variant. On other transcripts: 5 prime UTR variant (2).
Genome position (GRCh38, 1-based): chr16:68,811,794-68,811,795, AA deleted; deleting any 2 consecutive bases within chr16:68,811,791-68,811,795 gives the same sequence; the c. name uses the placement nearest the transcript's 3' end. VCF-style (leftmost placement, unchanged base first): chr16-68811790-CAA-C. GRCh37 (hg19) VCF-style: chr16-68845693-CAA-C.
Other names: c.943_944del, p.Asn315fs (NM_001317184.2); c.-673_-672del (NM_001317185.2); c.-877_-876del (NM_001317186.2); short protein forms N315fs.
Identifiers: ClinVar variation 1444530 (VCV001444530.8), dbSNP rs2152132067, ClinGen allele CA2573152599.
Genomic context (GRCh38, chr16:68,811,790, plus strand): 5'-GAACACCTACAATGCCGCCATCGCTTACACCATCCTCAGCCAAGATCCTGAGCTCCCTGA[CAA>C]AAATATGTTCACCATTAACAGGAACACAGGAGTCATCAGTGTGGTCACCACTGGGCTGGA-3'

ClinVar aggregate classification (germline): Pathogenic. Review status: criteria provided, multiple submitters, no conflicts (2 of 4 stars). 2 submissions from 2 submitters: Pathogenic (2). Last evaluated 2023-06-29.

Conditions:
Hereditary diffuse gastric adenocarcinoma (HDGC). Also called: DIFFUSE GASTRIC AND LOBULAR BREAST CANCER SYNDROME. Identifiers: Orphanet 26106, MedGen C1708349, MONDO:0007648, OMIM 137215.

Submissions (2):

Labcorp Genetics (formerly Invitae), Labcorp
Classification: Pathogenic for Hereditary diffuse gastric adenocarcinoma. Last evaluated: 2023-06-29. Review status: criteria provided, single submitter. Criteria: Invitae Variant Classification Sherloc (09022015). Collection method: clinical testing. Allele origin: germline.
Comment: For these reasons, this variant has been classified as Pathogenic. ClinVar contains an entry for this variant (Variation ID: 1444530). This variant has not been reported in the literature in individuals affected with CDH1-related conditions. This variant is not present in population databases (gnomAD no frequency). This sequence change creates a premature translational stop signal (p.Asn315Tyrfs*5) in the CDH1 gene. It is expected to result in an absent or disrupted protein product. Loss-of-function variants in CDH1 are known to be pathogenic (PMID: 15235021, 20373070).

Myriad Genetics, Inc.
Classification: Pathogenic for Hereditary diffuse gastric adenocarcinoma. Last evaluated: 2023-06-12. Review status: criteria provided, single submitter. Criteria: Myriad Autosomal Dominant, Autosomal Recessive and X-Linked Classification Criteria (2023). Collection method: clinical testing. Allele origin: unknown.
Comment: This variant is considered pathogenic. This variant creates a frameshift predicted to result in premature protein truncation.

Literature cited by the submitters: PubMed 15235021 (cited by Labcorp Genetics (formerly Invitae), Labcorp); PubMed 20373070 (cited by Labcorp Genetics (formerly Invitae), Labcorp).